The following is an entry in ClinVar:

NM_001128431.4(SLC39A14):c.1066G>A (p.Gly356Ser)

Gene: SLC39A14 (solute carrier family 39 member 14; plus strand). Cytogenetic location: 8p21.3.
Variant type: single nucleotide variant.
Coding change: c.1066G>A on transcript NM_001128431.4 (MANE Select); coding-DNA position 1066, G replaced by A.
Protein change: p.Gly356Ser; replaces glycine 356 with serine.
Molecular consequence: missense variant.
Genome position (GRCh38, 1-based): chr8:22,416,199, G>A. VCF-style: chr8-22416199-G-A. GRCh37 (hg19) VCF-style: chr8-22273712-G-A.
Other names: c.1066G>A, p.Gly356Ser (NM_001135153.3, NM_001135154.3, NM_001351655.2 and 3 more transcripts); c.1096G>A, p.Gly366Ser (NM_001351657.2, NM_001351658.2, NM_001351659.2); short protein forms G356S, G366S.
Identifiers: ClinVar variation 452630 (VCV000452630.3), dbSNP rs774860376, ClinGen allele CA4667510.

ClinVar aggregate classification (germline): Uncertain significance. Review status: criteria provided, single submitter (1 of 4 stars). 2 submissions from 2 submitters: Uncertain significance (1). 1 of the submissions does not count toward it. Last evaluated 2017-10-09.

Conditions:
Hypermanganesemia with dystonia 2 (HMNDYT2). Also called: SLC39A14 Deficiency. Identifiers: Orphanet 521406, MedGen C4310765, MONDO:0014864, OMIM 617013.

Allele frequency attached by ClinVar (database versions not stated): gnomAD exomes below 0.00001 and 0.00001; ExAC 0.00001; gnomAD 0.00001; TOPMed 0.00001.
gnomAD v4.1: 8 of 1,613,794 alleles (0.0005%); highest among the groups gnomAD compares: African/African-American, 0.0013%; no homozygotes.

Submissions (2):

GeneDx
Classification: Uncertain significance. Last evaluated: 2017-10-09. Review status: criteria provided, single submitter. Criteria: GeneDx Variant Classification (06012015). Collection method: clinical testing. Allele origin: germline. Affected: yes.
Comment: The G356S variant in the SLC39A14 gene has not been reported previously as a pathogenic variant, nor as a benign variant, to our knowledge. The G356S variant is not observed at a significant frequency in large population cohorts (Lek et al., 2016). The G356S variant is a non-conservative amino acid substitution, which is likely to impact secondary protein structure as these residues differ in polarity, charge, size and/or other properties. This substitution occurs at a position that is conserved across species. In silico analysis predicts this variant is probably damaging to the proteinstructure/function. We interpret G356S as a variant of uncertain significance.

OMIM
Classification: Pathogenic for HYPERMANGANESEMIA WITH DYSTONIA 2. Last evaluated: 2022-01-19. Review status: no assertion criteria provided. Collection method: literature only. Allele origin: germline. Not counted in ClinVar's aggregate classification.

Literature cited by the submitters: PubMed 32626807 (cited by OMIM).